The following is an entry in ClinVar:

NM_002354.3(EPCAM):c.365C>T (p.Ala122Val)

Gene: EPCAM (epithelial cell adhesion molecule; plus strand). Cytogenetic location: 2p21.
Variant type: single nucleotide variant.
Coding change: c.365C>T on transcript NM_002354.3 (MANE Select); coding-DNA position 365, C replaced by T.
Protein change: p.Ala122Val; replaces alanine 122 with valine.
Molecular consequence: missense variant.
Genome position (GRCh38, 1-based): chr2:47,373,988, C>T. VCF-style: chr2-47373988-C-T. GRCh37 (hg19) VCF-style: chr2-47601127-C-T.
Other names: short protein forms A122V.
Identifiers: ClinVar variation 1733667 (VCV001733667.3), dbSNP rs1315163599, ClinGen allele CA346723354.
Genomic context (GRCh38, chr2:47,373,988, plus strand): 5'-GCGGGCTCTTTAAGGCCAAGCAGTGCAACGGCACCTCCATGTGCTGGTGTGTGAACACTG[C>T]TGGGGTCAGAAGAACAGACAAGGACACTGAAATAACCTGCTCTGAGCGAGTGAGAACCTA-3'
Protein context (NP_002345.2, residues 112-132): GTSMCWCVNT[Ala122Val]GVRRTDKDTE

ClinVar aggregate classification (germline): Uncertain significance (1 of 4 stars; one submission).

Conditions:
Hereditary cancer-predisposing syndrome. Also called: Neoplastic Syndromes, Hereditary; Tumor predisposition; Hereditary Cancer Syndrome; Hereditary neoplastic syndrome. Identifiers: Orphanet 140162, MedGen C0027672, MeSH D009386, MONDO:0015356.

Allele frequency attached by ClinVar (database versions not stated): gnomAD exomes below 0.00001.

Submission:

Ambry Genetics
Classification: Uncertain significance for Hereditary cancer-predisposing syndrome. Last evaluated: 2024-06-24. Review status: criteria provided, single submitter. Criteria: Ambry Variant Classification Scheme 2023. Collection method: clinical testing. Allele origin: germline.
Comment: The p.A122V variant (also known as c.365C>T), located in coding exon 3 of the EPCAM gene, results from a C to T substitution at nucleotide position 365. The alanine at codon 122 is replaced by valine, an amino acid with similar properties. This amino acid position is conserved. In addition, the in silico prediction for this alteration is inconclusive. Since supporting evidence is limited at this time, the clinical significance of this alteration remains unclear.